The following is an entry in ClinVar:

NM_000843.4(GRM6):c.1906G>A (p.Ala636Thr)

Genes: GRM6 (glutamate metabotropic receptor 6; minus strand), ZNF454 (zinc finger protein 454; plus strand). Cytogenetic location: 5q35.3.
Variant type: single nucleotide variant.
Coding change: c.1906G>A on transcript NM_000843.4 (MANE Select); coding-DNA position 1906, G replaced by A.
Protein change: p.Ala636Thr; replaces alanine 636 with threonine.
Molecular consequence: missense variant.
Genome position (GRCh38, 1-based): chr5:178,986,348, C>T on the plus strand (G>A on the coding strand, the complement: GRM6 is on the minus strand). VCF-style: chr5-178986348-C-T. GRCh37 (hg19) VCF-style: chr5-178413349-C-T.
Other names: short protein forms A636T.
Identifiers: ClinVar variation 1509996 (VCV001509996.8), dbSNP rs371304642, ClinGen allele CA3593889.

ClinVar aggregate classification (germline): Uncertain significance (1 of 4 stars; one submission).

Allele frequency attached by ClinVar (database versions not stated): ExAC 0.00001; gnomAD 0.00001; gnomAD exomes 0.00001; ESP Exome Variant Server 0.00008; 1000 Genomes Project 30x 0.00016; 1000 Genomes Project 0.00020.

Submission:

Labcorp Genetics (formerly Invitae), Labcorp
Classification: Uncertain significance. Last evaluated: 2025-09-02. Review status: criteria provided, single submitter. Criteria: Invitae Variant Classification Sherloc (09022015). Collection method: clinical testing. Allele origin: germline.
Comment: This sequence change replaces alanine, which is neutral and non-polar, with threonine, which is neutral and polar, at codon 636 of the GRM6 protein (p.Ala636Thr). This variant is present in population databases (rs371304642, gnomAD 0.004%). This variant has not been reported in the literature in individuals affected with GRM6-related conditions. ClinVar contains an entry for this variant (Variation ID: 1509996). Invitae Evidence Modeling of protein sequence and biophysical properties (such as structural, functional, and spatial information, amino acid conservation, physicochemical variation, residue mobility, and thermodynamic stability) indicates that this missense variant is not expected to disrupt GRM6 protein function with a negative predictive value of 95%. In summary, the available evidence is currently insufficient to determine the role of this variant in disease. Therefore, it has been classified as a Variant of Uncertain Significance.